The following is an entry in ClinVar:

ClinVar aggregate classification (germline): Pathogenic (1 of 4 stars; one submission).

Conditions:
Developmental and epileptic encephalopathy. Identifiers: MedGen C5779964, MONDO:0100620.

Submission:

Labcorp Genetics (formerly Invitae), Labcorp
Classification: Pathogenic for Early-infantile DEE. Last evaluated: 2022-07-25. Review status: criteria provided, single submitter. Criteria: Invitae Variant Classification Sherloc (09022015). Collection method: clinical testing. Allele origin: germline.
Comment: For these reasons, this variant has been classified as Pathogenic. A gross deletion of the genomic region encompassing the full coding sequence of the SPTAN1 gene has been identified. Loss-of-function variants in SPTAN1 are known to be pathogenic (PMID: 31332438, 33206935). The boundaries of this event are unknown as they extend beyond the assayed region for this gene and therefore may encompass additional genes. Isolated whole-gene deletions of SPTAN1 have not been reported in the literature. However, larger copy number events that include this gene have been reported (PMID: 22722545).

Literature cited by the submitters: PubMed 31332438; PubMed 33206935; PubMed 22722545.

NC_000009.11:g.(?_131329020)_(131419005_?)del

Genes: DYNC2I2 (dynein 2 intermediate chain 2; minus strand), SPTAN1 (spectrin alpha, non-erythrocytic 1; plus strand). Cytogenetic location: 9q34.11.
Variant type: Deletion.
Identifiers: ClinVar variation 2423787 (VCV002423787.4).